The following is an entry in ClinVar:

ClinVar aggregate classification (germline): Benign/Likely benign. Review status: criteria provided, multiple submitters, no conflicts (2 of 4 stars). 3 submissions from 3 submitters: Benign (1); Likely benign (2). Last evaluated 2026-01-13.

Conditions:
Hereditary nonpolyposis colorectal neoplasms. Identifiers: MedGen C0009405, MeSH D003123.
Hereditary cancer-predisposing syndrome. Also called: Tumor predisposition; Hereditary Cancer Syndrome; Neoplastic Syndromes, Hereditary; Hereditary neoplastic syndrome. Identifiers: Orphanet 140162, MedGen C0027672, MeSH D009386, MONDO:0015356.
Lynch syndrome 5 (LYNCH5). Also called: Hereditary non-polyposis colorectal cancer, type 5; Colorectal cancer, hereditary nonpolyposis, type 5. Identifiers: Orphanet 144, MedGen C1833477, MONDO:0013710, OMIM 614350. Disease mechanism: loss of function.

Submissions (3):

Labcorp Genetics (formerly Invitae), Labcorp
Classification: Likely benign for Hereditary nonpolyposis colorectal neoplasms. Last evaluated: 2026-01-13. Review status: criteria provided, single submitter. Criteria: Invitae Variant Classification Sherloc (09022015). Collection method: clinical testing. Allele origin: germline.

Color Diagnostics, LLC DBA Color Health
Classification: Likely benign for Hereditary cancer-predisposing syndrome. Last evaluated: 2025-05-30. Review status: criteria provided, single submitter. Criteria: ACMG Guidelines, 2015. Collection method: clinical testing. Allele origin: germline.

Myriad Genetics, Inc.
Classification: Benign for Lynch syndrome 5. Last evaluated: 2024-12-19. Review status: criteria provided, single submitter. Criteria: Myriad Autosomal Dominant, Autosomal Recessive and X-Linked Classification Criteria (2023). Collection method: clinical testing. Allele origin: unknown.
Comment: This variant is considered benign. This variant is a silent/synonymous amino acid change and it is not expected to impact splicing.

NM_000179.3(MSH6):c.522A>G (p.Arg174=)

Gene: MSH6 (mutS homolog 6; plus strand). Cytogenetic location: 2p16.3.
Variant type: single nucleotide variant.
Coding change: c.522A>G on transcript NM_000179.3 (MANE Select); coding-DNA position 522, A replaced by G.
Protein change: p.Arg174=; no amino-acid change (arginine 174 retained).
Molecular consequence: synonymous variant. On other transcripts: 5 prime UTR variant (1), intron variant (2).
Genome position (GRCh38, 1-based): chr2:47,795,958, A>G. VCF-style: chr2-47795958-A-G. GRCh37 (hg19) VCF-style: chr2-48023097-A-G.
Other names: c.-381A>G (NM_001281494.2); c.-279-2653A>G (NM_001281493.2); c.238-2653A>G (NM_001281492.2).
Identifiers: ClinVar variation 1608548 (VCV001608548.10), dbSNP rs779496213, ClinGen allele CA46703271.